The following is an entry in ClinVar:

ClinVar aggregate classification (germline): Uncertain significance (1 of 4 stars; one submission).

Conditions:
Combined immunodeficiency due to DOCK8 deficiency (HIES2). Also called: DOCK8 Deficiency; HIES autosomal recessive; HYPER-IgE SYNDROME 2, AUTOSOMAL RECESSIVE, WITH RECURRENT INFECTIONS; Hyper-IgE recurrent infection syndrome, autosomal recessive; HYPER-IgE RECURRENT INFECTION SYNDROME 2, AUTOSOMAL RECESSIVE. Identifiers: Orphanet 217390, MedGen C4722305, MONDO:0009478, OMIM 243700.

Submission:

Labcorp Genetics (formerly Invitae), Labcorp
Classification: Uncertain significance for Combined immunodeficiency due to DOCK8 deficiency. Last evaluated: 2023-10-04. Review status: criteria provided, single submitter. Criteria: Invitae Variant Classification Sherloc (09022015). Collection method: clinical testing. Allele origin: germline.
Comment: This sequence change replaces glycine, which is neutral and non-polar, with alanine, which is neutral and non-polar, at codon 456 of the DOCK8 protein (p.Gly456Ala). This variant is not present in population databases (gnomAD no frequency). This variant has not been reported in the literature in individuals affected with DOCK8-related conditions. Advanced modeling of protein sequence and biophysical properties (such as structural, functional, and spatial information, amino acid conservation, physicochemical variation, residue mobility, and thermodynamic stability) performed at Invitae indicates that this missense variant is not expected to disrupt DOCK8 protein function. In summary, the available evidence is currently insufficient to determine the role of this variant in disease. Therefore, it has been classified as a Variant of Uncertain Significance.

NM_203447.4(DOCK8):c.1367G>C (p.Gly456Ala)

Gene: DOCK8 (dedicator of cytokinesis 8; plus strand). Cytogenetic location: 9p24.3.
Variant type: single nucleotide variant.
Coding change: c.1367G>C on transcript NM_203447.4 (MANE Select); coding-DNA position 1367, G replaced by C.
Protein change: p.Gly456Ala; replaces glycine 456 with alanine.
Molecular consequence: missense variant.
Genome position (GRCh38, 1-based): chr9:336,663, G>C. VCF-style: chr9-336663-G-C. GRCh37 (hg19) VCF-style: chr9-336663-G-C.
Other names: c.1163G>C, p.Gly388Ala (NM_001190458.2, NM_001193536.2); short protein forms G388A, G456A.
Identifiers: ClinVar variation 2765192 (VCV002765192.3), dbSNP rs2537992137, ClinGen allele CA372753341.
Genomic context (GRCh38, chr9:336,663, plus strand): 5'-GGAGGACATTGGCCCAATCTAGAAGGCTTTCTGAAAGAGCCCTCTCCTTGGAGGAAAATG[G>C]GGTTGGATCCAACTTCAAAACCTCCACTCTGAGCGTTAGCAGCTTTTTCAAGCAGGTATC-3'
Protein context (NP_982272.2, residues 446-466): SERALSLEEN[Gly456Ala]VGSNFKTSTL